The following is an entry in ClinVar:

NM_003659.4(AGPS):c.1335C>T (p.Asp445=)

Gene: AGPS (alkylglycerone phosphate synthase; plus strand). Cytogenetic location: 2q31.2.
Variant type: single nucleotide variant.
Coding change: c.1335C>T on transcript NM_003659.4 (MANE Select); coding-DNA position 1335, C replaced by T.
Protein change: p.Asp445=; no amino-acid change (aspartic acid 445 retained).
Molecular consequence: synonymous variant.
Genome position (GRCh38, 1-based): chr2:177,497,738, C>T. VCF-style: chr2-177497738-C-T. GRCh37 (hg19) VCF-style: chr2-178362466-C-T.
Identifiers: ClinVar variation 497713 (VCV000497713.45), dbSNP rs200039061, ClinGen allele CA1980295.

ClinVar aggregate classification (germline): Conflicting classifications of pathogenicity. Review status: criteria provided, conflicting classifications (1 of 4 stars). 4 submissions from 4 submitters: Uncertain significance (1); Likely benign (2). 1 of the submissions does not count toward it. Last evaluated 2024-04-22.

Conditions:
Rhizomelic chondrodysplasia punctata type 3 (RCDP3). Also called: Alkylglycerone Phosphate Synthase (AGPS) deficiency; ALKYLDIHYDROXYACETONEPHOSPHATE SYNTHASE DEFICIENCY. Identifiers: Orphanet 177, Orphanet 309803, MedGen C1838612, MONDO:0010823, OMIM 600121. Disease mechanism: loss of function.

Allele frequency attached by ClinVar (database versions not stated): gnomAD exomes 0.00002; ExAC 0.00004; gnomAD 0.00004; TOPMed 0.00007; ESP Exome Variant Server 0.00015; 1000 Genomes Project 0.00020; 1000 Genomes Project 30x 0.00031.
gnomAD v4.1: 42 of 1,575,288 alleles (0.0027%); highest among the groups gnomAD compares: Middle Eastern, 0.017%; no homozygotes.

Submissions (4):

Labcorp Genetics (formerly Invitae), Labcorp
Classification: Likely benign. Last evaluated: 2024-04-22. Review status: criteria provided, single submitter. Criteria: Invitae Variant Classification Sherloc (09022015). Collection method: clinical testing. Allele origin: germline.

CeGaT Center for Human Genetics Tuebingen
Classification: Likely benign. Last evaluated: 2022-05-01. Review status: criteria provided, single submitter. Criteria: CeGaT Center For Human Genetics Tuebingen Variant Classification Criteria Version 2. Collection method: clinical testing. Allele origin: germline. Affected: yes. Observed: 1 variant allele.
Comment: AGPS: BP4, BP7

Eurofins Ntd Llc (ga)
Classification: Uncertain significance. Last evaluated: 2016-10-21. Review status: criteria provided, single submitter. Criteria: EGL Classification Definitions 2015. Collection method: clinical testing. Allele origin: germline. Observed: 1 variant allele, 1 heterozygote.

Natera, Inc.
Classification: Likely benign for Rhizomelic chondrodysplasia punctata, type 3. Last evaluated: 2021-02-03. Review status: no assertion criteria provided. Collection method: clinical testing. Allele origin: germline. Not counted in ClinVar's aggregate classification.